The following is an entry in ClinVar:

NM_001009999.3(KDM1A):c.2125A>C (p.Thr709Pro)

Gene: KDM1A (lysine demethylase 1A; plus strand). Cytogenetic location: 1p36.12.
Variant type: single nucleotide variant.
Coding change: c.2125A>C on transcript NM_001009999.3 (MANE Select); coding-DNA position 2125, A replaced by C.
Protein change: p.Thr709Pro; replaces threonine 709 with proline.
Molecular consequence: missense variant.
Genome position (GRCh38, 1-based): chr1:23,079,622, A>C. VCF-style: chr1-23079622-A-C. GRCh37 (hg19) VCF-style: chr1-23406115-A-C.
Other names: c.2071A>C, p.Thr691Pro (NM_001363654.2); c.2131A>C, p.Thr711Pro (NM_001410762.1); c.2053A>C, p.Thr685Pro (NM_001410763.1, NM_015013.4); short protein forms T709P, T685P, T691P, T711P.
Identifiers: ClinVar variation 4042137 (VCV004042137.1).

ClinVar aggregate classification (germline): Uncertain significance (1 of 4 stars; one submission).

Conditions:
Inborn genetic diseases. Identifiers: MedGen C0950123, MeSH D030342.

Submission:

Ambry Genetics
Classification: Uncertain significance for Inborn genetic diseases. Last evaluated: 2025-05-16. Review status: criteria provided, single submitter. Criteria: Ambry Variant Classification Scheme 2023. Collection method: clinical testing. Allele origin: germline.
Comment: The p.T709P variant (also known as c.2125A>C), located in coding exon 18 of the KDM1A gene, results from an A to C substitution at nucleotide position 2125. The threonine at codon 709 is replaced by proline, an amino acid with highly similar properties. This amino acid position is conserved. In addition, this alteration is predicted to be deleterious by in silico analysis. Based on the available evidence, the clinical significance of this variant remains unclear.